The following is an entry in ClinVar:

NM_015559.3(SETBP1):c.1183A>C (p.Asn395His)

Gene: SETBP1 (SET binding protein 1; plus strand). Cytogenetic location: 18q12.3.
Variant type: single nucleotide variant.
Coding change: c.1183A>C on transcript NM_015559.3 (MANE Select); coding-DNA position 1183, A replaced by C.
Protein change: p.Asn395His; replaces asparagine 395 with histidine.
Molecular consequence: missense variant.
Genome position (GRCh38, 1-based): chr18:44,950,523, A>C. VCF-style: chr18-44950523-A-C. GRCh37 (hg19) VCF-style: chr18-42530488-A-C.
Other names: short protein forms N395H.
Identifiers: ClinVar variation 870741 (VCV000870741.41), dbSNP rs2071318761, ClinGen allele CA402317979.

ClinVar aggregate classification (germline): Uncertain significance (1 of 4 stars; one submission).

Submission:

CeGaT Center for Human Genetics Tuebingen
Classification: Uncertain significance. Last evaluated: 2022-05-01. Review status: criteria provided, single submitter. Criteria: CeGaT Center For Human Genetics Tuebingen Variant Classification Criteria Version 2. Collection method: clinical testing. Allele origin: germline. Affected: yes. Observed: 2 variant alleles.
Comment: SETBP1: PM2, BP4